The following is an entry in ClinVar:

NM_033056.4(PCDH15):c.5558T>C (p.Met1853Thr)

Gene: PCDH15 (protocadherin related 15; minus strand). Cytogenetic location: 10q21.1.
Variant type: single nucleotide variant.
Coding change: c.5558T>C on transcript NM_033056.4 (MANE Plus Clinical); coding-DNA position 5558, T replaced by C.
Protein change: p.Met1853Thr; replaces methionine 1853 with threonine.
Molecular consequence: missense variant. On other transcripts: intron variant (8).
Genome position (GRCh38, 1-based): chr10:53,822,168, A>G on the plus strand (T>C on the coding strand, the complement: PCDH15 is on the minus strand). VCF-style: chr10-53822168-A-G. GRCh37 (hg19) VCF-style: chr10-55581928-A-G.
Other names: c.5579T>C, p.Met1860Thr (NM_001142763.2); c.5564T>C, p.Met1855Thr (NM_001142764.2); c.5351T>C, p.Met1784Thr (NM_001142765.2); c.5549T>C, p.Met1850Thr (NM_001142766.2); c.5438T>C, p.Met1813Thr (NM_001142767.2); c.5498T>C, p.Met1833Thr (NM_001142768.2); c.5489T>C, p.Met1830Thr (NM_001142773.2); c.5492T>C, p.Met1831Thr (NM_001354404.2); and 7 more; short protein forms M1784T, M1813T, M1830T, M1855T, M1831T, M1860T, M1833T, M1850T.
Identifiers: ClinVar variation 1955299 (VCV001955299.3), dbSNP rs1247527801, ClinGen allele CA376524715.

ClinVar aggregate classification (germline): Uncertain significance (1 of 4 stars; one submission).

Allele frequency attached by ClinVar (database versions not stated): gnomAD exomes below 0.00001; TOPMed 0.00001.
gnomAD v4.1: 7 of 1,614,072 alleles (0.00043%); highest among the groups gnomAD compares: Non-Finnish European, 0.00059%; no homozygotes.

Submission:

Labcorp Genetics (formerly Invitae), Labcorp
Classification: Uncertain significance. Last evaluated: 2022-09-06. Review status: criteria provided, single submitter. Criteria: Invitae Variant Classification Sherloc (09022015). Collection method: clinical testing. Allele origin: germline.
Comment: This variant has not been reported in the literature in individuals affected with PCDH15-related conditions. In summary, the available evidence is currently insufficient to determine the role of this variant in disease. Therefore, it has been classified as a Variant of Uncertain Significance. Algorithms developed to predict the effect of missense changes on protein structure and function output the following: SIFT: "Tolerated"; PolyPhen-2: "Not Available"; Align-GVGD: "Class C0". The threonine amino acid residue is found in multiple mammalian species, which suggests that this missense change does not adversely affect protein function. This variant is present in population databases (no rsID available, gnomAD 0.0009%). This sequence change replaces methionine, which is neutral and non-polar, with threonine, which is neutral and polar, at codon 1853 of the PCDH15 protein (p.Met1853Thr).